The following is an entry in ClinVar:

ClinVar aggregate classification (germline): Benign. Review status: criteria provided, multiple submitters, no conflicts (2 of 4 stars). 4 submissions from 3 submitters: Benign (4). Last evaluated 2021-05-08.

Conditions:
Hypoalphalipoproteinemia, primary, 1. Identifiers: Orphanet 425, MedGen C5231558, MONDO:0011393, OMIM 604091.
Tangier disease (TGD). Also called: HIGH DENSITY LIPOPROTEIN DEFICIENCY, TANGIER TYPE; HIGH DENSITY LIPOPROTEIN DEFICIENCY, TYPE 1; Cholesterol thesaurismosis. Identifiers: Orphanet 31150, MedGen C0039292, MONDO:0008783, OMIM 205400.

Allele frequency attached by ClinVar (database versions not stated): gnomAD exomes 0.22789; TOPMed 0.34954; 1000 Genomes Project 30x 0.44082; gnomAD 0.33123 and 0.33696; 1000 Genomes Project 0.44549.
gnomAD v4.1: 51,208 of 152,270 alleles (34%); highest among the groups gnomAD compares: East Asian, 76%; 9,305 homozygotes.

Submissions (4):

GeneDx
Classification: Benign. Last evaluated: 2021-05-08. Review status: criteria provided, single submitter. Criteria: GeneDx Variant Classification Process June 2021. Collection method: clinical testing. Allele origin: germline. Affected: yes.

Illumina Laboratory Services, Illumina
Classification: Benign for Tangier disease. Last evaluated: 2018-01-12. Review status: criteria provided, single submitter. Criteria: ICSL Variant Classification Criteria 13 December 2019. Collection method: clinical testing. Allele origin: germline.
Comment: This variant was observed in the ICSL laboratory as part of a predisposition screen in an ostensibly healthy population. It had not been previously curated by ICSL or reported in the Human Gene Mutation Database (HGMD: prior to June 1st, 2018), and was therefore a candidate for classification through an automated scoring system. Utilizing variant allele frequency, disease prevalence and penetrance estimates, and inheritance mode, an automated score was calculated to assess if this variant is too frequent to cause the disease. Based on the score and internal cut-off values, a variant classified as benign is not then subjected to further curation. The score for this variant resulted in a classification of benign for this disease.

Illumina Laboratory Services, Illumina
Classification: Benign for Hypoalphalipoproteinemia, primary, 1. Last evaluated: 2018-01-12. Review status: criteria provided, single submitter. Criteria: ICSL Variant Classification Criteria 13 December 2019. Collection method: clinical testing. Allele origin: germline.
Comment: the same text as in the submission from Illumina Laboratory Services, Illumina above.

Breakthrough Genomics
Classification: Benign. Review status: criteria provided, single submitter. Criteria: ACMG Guidelines, 2015. Collection method: not provided. Allele origin: germline. Inheritance: Autosomal recessive inheritance. Affected: yes.

NM_005502.4(ABCA1):c.*693C>T

Genes: ABCA1 (ATP binding cassette subfamily A member 1; minus strand), NIPSNAP3B (nipsnap homolog 3B; plus strand). Cytogenetic location: 9q31.1.
Variant type: single nucleotide variant.
Coding change: c.*693C>T on transcript NM_005502.4 (MANE Select); 693 bases downstream of the stop codon, C replaced by T.
Molecular consequence: 3 prime UTR variant.
Genome position (GRCh38, 1-based): chr9:104,783,622, G>A on the plus strand (C>T on the coding strand, the complement: ABCA1 is on the minus strand). VCF-style: chr9-104783622-G-A. GRCh37 (hg19) VCF-style: chr9-107545903-G-A.
Identifiers: ClinVar variation 364361 (VCV000364361.8), dbSNP rs4149338, ClinGen allele CA10632011.